The following is an entry in ClinVar:

ClinVar aggregate classification (germline): Uncertain significance (1 of 4 stars; one submission).

Conditions:
Familial temporal lobe epilepsy 7. Identifiers: Orphanet 101046, MedGen C4225327, MONDO:0014639, OMIM 616436.
Norman-Roberts syndrome (LIS2). Also called: Lissencephaly 2 (Norman-Roberts type). Identifiers: Orphanet 89844, MedGen C0796089, MONDO:0009760, OMIM 257320.

Submission:

Labcorp Genetics (formerly Invitae), Labcorp
Classification: Uncertain significance for Familial temporal lobe epilepsy 7; Norman-Roberts syndrome. Last evaluated: 2020-09-20. Review status: criteria provided, single submitter. Criteria: Invitae Variant Classification Sherloc (09022015). Collection method: clinical testing. Allele origin: germline.
Comment: In summary, the available evidence is currently insufficient to determine the role of this variant in disease. Therefore, it has been classified as a Variant of Uncertain Significance. Nucleotide substitutions within the consensus splice site are a relatively common cause of aberrant splicing (PMID: 17576681, 9536098). Algorithms developed to predict the effect of sequence changes on RNA splicing suggest that this variant is not likely to affect RNA splicing, but this prediction has not been confirmed by published transcriptional studies. This variant has not been reported in the literature in individuals with RELN-related conditions. This variant is not present in population databases (ExAC no frequency). This sequence change falls in intron 10 of the RELN gene. It does not directly change the encoded amino acid sequence of the RELN protein, but it affects a nucleotide within the consensus splice site of the intron.

Literature cited by the submitters: PubMed 17576681; PubMed 9536098.

NM_005045.4(RELN):c.1143+4A>G

Gene: RELN (reelin; minus strand). Cytogenetic location: 7q22.1.
Variant type: single nucleotide variant.
Coding change: c.1143+4A>G on transcript NM_005045.4 (MANE Select); 4 bases into the intron after coding-DNA position 1143, A replaced by G.
Molecular consequence: intron variant.
Genome position (GRCh38, 1-based): chr7:103,697,849, T>C on the plus strand (A>G on the coding strand, the complement: RELN is on the minus strand). VCF-style: chr7-103697849-T-C. GRCh37 (hg19) VCF-style: chr7-103338296-T-C.
Other names: c.1143+4A>G (NM_173054.3).
Identifiers: ClinVar variation 1015565 (VCV001015565.6), dbSNP rs1834010100, ClinGen allele CA1730852674.
Genomic context (GRCh38, chr7:103,697,849, plus strand): 5'-GAGCTTCACTTTTAGAAAGGAGATGAAGGATTAAAACAACCCAAAAACTAAAAAGAGCTC[T>C]AACCTTAACTGTAGCTCCTGGGAAGAAAAGCCAGTTGCCTGTGTCCACTGGGTCGAGACT-3'